The following is an entry in ClinVar:

NM_033004.4(NLRP1):c.358T>C (p.Trp120Arg)

Gene: NLRP1 (NLR family pyrin domain containing 1; minus strand). Cytogenetic location: 17p13.2.
Variant type: single nucleotide variant.
Coding change: c.358T>C on transcript NM_033004.4 (MANE Select); coding-DNA position 358, T replaced by C.
Protein change: p.Trp120Arg; replaces tryptophan 120 with arginine.
Molecular consequence: missense variant.
Genome position (GRCh38, 1-based): chr17:5,582,760, A>G on the plus strand (T>C on the coding strand, the complement: NLRP1 is on the minus strand). VCF-style: chr17-5582760-A-G. GRCh37 (hg19) VCF-style: chr17-5486080-A-G.
Other names: c.358T>C, p.Trp120Arg (NM_001033053.3, NM_014922.5, NM_033006.4 and 1 more transcripts); short protein forms W120R.
Identifiers: ClinVar variation 3686304 (VCV003686304.2).
Genomic context (GRCh38, chr17:5,582,760, plus strand): 5'-GCTGTCTCAAAACCCTTCTCTCTGAGCCCTGGGTGCACCCCGCCGGCAATTCATGGATCC[A>G]GGGCATTAGCACTGCGGTGGAGGTGGGTTGGCTGGGAGACCCCAGGTGGGGTTCACTTGG-3'
Protein context (NP_127497.1, residues 110-130): QPTSTAVLMP[Trp120Arg]IHELPAGCTQ

ClinVar aggregate classification (germline): Uncertain significance (1 of 4 stars; one submission).

Submission:

Labcorp Genetics (formerly Invitae), Labcorp
Classification: Uncertain significance. Last evaluated: 2024-02-23. Review status: criteria provided, single submitter. Criteria: Invitae Variant Classification Sherloc (09022015). Collection method: clinical testing. Allele origin: germline.
Comment: This sequence change replaces tryptophan, which is neutral and slightly polar, with arginine, which is basic and polar, at codon 120 of the NLRP1 protein (p.Trp120Arg). This variant is not present in population databases (gnomAD no frequency). This variant has not been reported in the literature in individuals affected with NLRP1-related conditions. An algorithm developed to predict the effect of missense changes on protein structure and function (PolyPhen-2) suggests that this variant is likely to be tolerated. In summary, the available evidence is currently insufficient to determine the role of this variant in disease. Therefore, it has been classified as a Variant of Uncertain Significance.